The following is an entry in ClinVar:

ClinVar aggregate classification (germline): Uncertain significance (1 of 4 stars; one submission).

Submission:

Labcorp Genetics (formerly Invitae), Labcorp
Classification: Uncertain significance. Last evaluated: 2022-08-16. Review status: criteria provided, single submitter. Criteria: Invitae Variant Classification Sherloc (09022015). Collection method: clinical testing. Allele origin: germline.
Comment: In summary, the available evidence is currently insufficient to determine the role of this variant in disease. Therefore, it has been classified as a Variant of Uncertain Significance. Experimental studies and prediction algorithms are not available or were not evaluated, and the functional significance of this variant is currently unknown. This variant has not been reported in the literature in individuals affected with TTBK2-related conditions. This variant is not present in population databases (gnomAD no frequency). This variant, c.2652_2654del, results in the deletion of 1 amino acid(s) of the TTBK2 protein (p.Ile884del), but otherwise preserves the integrity of the reading frame.

NM_173500.4(TTBK2):c.2649CAT[1] (p.Ile884del)

Gene: TTBK2 (tau tubulin kinase 2; minus strand). Cytogenetic location: 15q15.2.
Variant type: Microsatellite.
Coding change: c.2649CAT[1] on transcript NM_173500.4 (MANE Select); one copy of the 3-base unit CAT starting at c.2649; the reference has two copies in a row; one copy, 3 bases deleted.
Protein change: p.Ile884del; deletes isoleucine 884.
Molecular consequence: inframe deletion.
Genome position (GRCh38, 1-based): chr15:42,752,592-42,752,594, ATG deleted on the plus strand (CAT on the coding strand, the reverse complement: TTBK2 is on the minus strand); deleting any 3 consecutive bases within chr15:42,752,592-42,752,597 gives the same sequence; the position shown is the placement nearest the transcript's 3' end. VCF-style (leftmost placement, unchanged base first): chr15-42752591-CATG-C. GRCh37 (hg19) VCF-style: chr15-43044789-CATG-C.
Other names: short protein forms I884del.
Identifiers: ClinVar variation 2128500 (VCV002128500.4), dbSNP rs2506197143, ClinGen allele CA2580613797.